The following is an entry in ClinVar:

NM_033109.5(PNPT1):c.575G>A (p.Arg192Gln)

Gene: PNPT1 (polyribonucleotide nucleotidyltransferase 1; minus strand). Cytogenetic location: 2p16.1.
Variant type: single nucleotide variant.
Coding change: c.575G>A on transcript NM_033109.5 (MANE Select); coding-DNA position 575, G replaced by A.
Protein change: p.Arg192Gln; replaces arginine 192 with glutamine.
Molecular consequence: missense variant.
Genome position (GRCh38, 1-based): chr2:55,679,786, C>T on the plus strand (G>A on the coding strand, the complement: PNPT1 is on the minus strand). VCF-style: chr2-55679786-C-T. GRCh37 (hg19) VCF-style: chr2-55906921-C-T.
Other names: p.R192Q:CGA>CAA; short protein forms R192Q.
Identifiers: ClinVar variation 215006 (VCV000215006.10), dbSNP rs772153760, ClinGen allele CA319876.
Genomic context (GRCh38, chr2:55,679,786, plus strand): 5'-CTAGAAGACATTTCTTTTCTTGTTGGGTTAACAACATATTCTCCATCAATTATTCCTATT[C>T]GTACTGCCCCTAAAATGTATTAGAATATTGGCAACTGTTTAATGGAAATACCCAGTTTTC-3'
Protein context (NP_149100.2, residues 182-202): IPWNGPVGAV[Arg192Gln]IGIIDGEYVV

ClinVar aggregate classification (germline): Conflicting classifications of pathogenicity. Review status: criteria provided, conflicting classifications (1 of 4 stars). 2 submissions from 2 submitters: Likely pathogenic (1); Uncertain significance (1). Last evaluated 2023-02-14.

Allele frequency attached by ClinVar (database versions not stated): gnomAD exomes below 0.00001; ExAC 0.00001; gnomAD 0.00002; TOPMed 0.00002.
gnomAD v4.1: 6 of 1,600,858 alleles (0.00037%); highest among the groups gnomAD compares: African/African-American, 0.0027%; no homozygotes.

Submissions (2):

Labcorp Genetics (formerly Invitae), Labcorp
Classification: Uncertain significance. Last evaluated: 2023-02-14. Review status: criteria provided, single submitter. Criteria: Invitae Variant Classification Sherloc (09022015). Collection method: clinical testing. Allele origin: germline.
Comment: This sequence change replaces arginine, which is basic and polar, with glutamine, which is neutral and polar, at codon 192 of the PNPT1 protein (p.Arg192Gln). This variant is present in population databases (rs772153760, gnomAD 0.007%). This variant has not been reported in the literature in individuals affected with PNPT1-related conditions. ClinVar contains an entry for this variant (Variation ID: 215006). Advanced modeling of protein sequence and biophysical properties (such as structural, functional, and spatial information, amino acid conservation, physicochemical variation, residue mobility, and thermodynamic stability) performed at Invitae indicates that this missense variant is not expected to disrupt PNPT1 protein function. Algorithms developed to predict the effect of sequence changes on RNA splicing suggest that this variant may disrupt the consensus splice site. In summary, the available evidence is currently insufficient to determine the role of this variant in disease. Therefore, it has been classified as a Variant of Uncertain Significance.

GeneDx
Classification: Likely pathogenic. Last evaluated: 2014-07-24. Review status: criteria provided, single submitter. Criteria: GeneDx Variant Classification (06012015). Collection method: clinical testing. Allele origin: germline. Affected: yes.
Comment: The R192Q variant that is likely pathogenic was identified in the PNPT1 gene. It has not been published as a mutation, nor has it been reported as a benign polymorphism to our knowledge. The R192Q variant is a semi-conservative amino acid substitution, which may impact secondary protein structure as these residues differ in some properties. This substitution occurs at a position that is highly conserved across species. In silico analysis predicts this variant is probably damaging to the protein structure/function. Therefore, this variant is a strong candidate for a pathogenic mutation, however the possibility that it is a benign variant cannot be excluded. The variant is found in MITONUC-MITOP panel(s).